The following is an entry in ClinVar:

ClinVar aggregate classification (germline): Conflicting classifications of pathogenicity. Review status: criteria provided, conflicting classifications (1 of 4 stars). 7 submissions from 7 submitters: Likely pathogenic (3); Uncertain significance (4). Last evaluated 2025-03-13.

Conditions:
Familial hypocalciuric hypercalcemia (FHH). Also called: Familial benign hypercalcemia. Identifiers: Orphanet 405, MedGen C1809471, MONDO:0018458.
Autosomal dominant hypocalcemia 1 (HYPOC1). Also called: HYPOCALCEMIA, FAMILIAL. Identifiers: MedGen C3715128, MONDO:0011013, OMIM 601198.
Familial hypocalciuric hypercalcemia 1. Also called: Hypercalcemia, familial benign type 1. Identifiers: Orphanet 405, Orphanet 93372, MedGen C0342637, MONDO:0007791, OMIM 145980.
CASR-related disorder. Also called: CASR-related condition.

Allele frequency attached by ClinVar (database versions not stated): gnomAD exomes below 0.00001.
gnomAD v4.1: 1 of 1,613,884 alleles (0.000062%); highest among the groups gnomAD compares: Middle Eastern, 0.016%; no homozygotes.

Submissions (7):

PreventionGenetics, part of Exact Sciences
Classification: Uncertain significance for CASR-related condition. Last evaluated: 2025-03-13. Review status: criteria provided, single submitter. Criteria: ACMG Guidelines, 2015. Collection method: clinical testing. Allele origin: germline.
Comment: The CASR c.2075C>T variant is predicted to result in the amino acid substitution p.Pro692Leu. This variant is alternatively referred to as c.2045C>T; p.Pro682Leu in the alternate transcript NM_000388. It has been reported in the homozygous and compound heterozygous states in two individuals with neonatal severe hyperparathyroidism (NSHPT) (Leunbach et al. 2021. PubMed ID: 33748353; Savas-Erdeve et al. 2016. PubMed ID: 27390877). This variant has not been reported in a large population database (gnomAD), indicating this variant is rare. Although we suspect that this variant may be pathogenic for an autosomal recessive CASR-related phenotype, at this time, the clinical significance of this variant is uncertain due to insufficient functional and genetic evidence.

Women's Health and Genetics/Laboratory Corporation of America, LabCorp
Classification: Uncertain significance. Last evaluated: 2024-04-10. Review status: criteria provided, single submitter. Criteria: LabCorp Variant Classification Summary - May 2015. Collection method: clinical testing. Allele origin: germline.
Comment: Variant summary: CASR c.2045C>T (p.Pro682Leu) results in a non-conservative amino acid change located in the GPCR family 3, C-terminal domain (IPR017978) of the encoded protein sequence. Four of five in-silico tools predict a damaging effect of the variant on protein function. The variant was absent in 251302 control chromosomes. c.2045C>T has been reported in the literature in at-least two individuals affected with Autosomal Recessive severe neonatal hyperparathyroidism, either at a homozygous state or in trans along with a pathogenic missense (Savas-Erdeve_2016, Leunbach_2021). The variant has also been reported at a heterozygous state, with a co-occurring heterozygous pathogenic variant of SPINK1 in an adult patient with Hypercalcemia-related pancreatitis (Baudry_2010). These data indicate that the variant may be associated with disease. To our knowledge, no experimental evidence demonstrating an impact on protein function has been reported. The following publications have been ascertained in the context of this evaluation (PMID: 20335783, 33748353, 27390877). ClinVar contains an entry for this variant (Variation ID: 446989). Based on the evidence outlined above, the variant was classified as VUS-possibly pathogenic.

Mayo Clinic Laboratories, Mayo Clinic
Classification: Likely pathogenic. Last evaluated: 2024-04-02. Review status: criteria provided, single submitter. Criteria: ACMG Guidelines, 2015. Collection method: clinical testing. Allele origin: germline. Observed: 2 variant alleles.
Comment: PP2, PM2, PM3, PS4_moderate

Labcorp Genetics (formerly Invitae), Labcorp
Classification: Uncertain significance for Familial hypocalciuric hypercalcemia; Autosomal dominant hypocalcemia 1. Last evaluated: 2021-12-02. Review status: criteria provided, single submitter. Criteria: Invitae Variant Classification Sherloc (09022015). Collection method: clinical testing. Allele origin: germline.
Comment: This sequence change replaces proline, which is neutral and non-polar, with leucine, which is neutral and non-polar, at codon 682 of the CASR protein (p.Pro682Leu). In summary, the available evidence is currently insufficient to determine the role of this variant in disease. Therefore, it has been classified as a Variant of Uncertain Significance. Algorithms developed to predict the effect of missense changes on protein structure and function (SIFT, PolyPhen-2, Align-GVGD) all suggest that this variant is likely to be disruptive. ClinVar contains an entry for this variant (Variation ID: 446989). This missense change has been observed in individual(s) with neonatal severe hyperparathyroidism and familial hypocalciuric hypercalcemia (PMID: 26963950, 27390877). This variant is not present in population databases (gnomAD no frequency).

Blueprint Genetics
Classification: Likely pathogenic for CASR-related disorders. Last evaluated: 2021-08-05. Review status: criteria provided, single submitter. Criteria: ACMG Guidelines, 2015. Collection method: clinical testing. Allele origin: germline. Affected: yes. Observed: 1 variant allele.

Athena Diagnostics
Classification: Uncertain significance. Last evaluated: 2016-11-23. Review status: criteria provided, single submitter. Criteria: Athena Diagnostics Criteria. Collection method: clinical testing. Allele origin: germline.

Clinical Genetics Service, Universitary Hospital 12 de Octubre
Classification: Likely pathogenic for Familial hypocalciuric hypercalcemia 1. Review status: criteria provided, single submitter. Criteria: ACMG Guidelines, 2015. Collection method: clinical testing. Allele origin: germline. Affected: yes.

Literature cited by the submitters: PubMed 20335783 (cited by 3 submitters); PubMed 33748353 (cited by Women's Health and Genetics/Laboratory Corporation of America, LabCorp and Mayo Clinic Laboratories, Mayo Clinic); PubMed 27390877 (cited by 4 submitters); PubMed 21844754 (cited by Mayo Clinic Laboratories, Mayo Clinic and Athena Diagnostics); PubMed 26963950 (cited by Mayo Clinic Laboratories, Mayo Clinic and Labcorp Genetics (formerly Invitae), Labcorp); PubMed 38038882 (cited by Mayo Clinic Laboratories, Mayo Clinic); PubMed 20335782 (cited by Athena Diagnostics).

NM_000388.4(CASR):c.2045C>T (p.Pro682Leu)

Gene: CASR (calcium sensing receptor; plus strand). Cytogenetic location: 3q21.1.
Variant type: single nucleotide variant.
Coding change: c.2045C>T on transcript NM_000388.4 (MANE Select); coding-DNA position 2045, C replaced by T.
Protein change: p.Pro682Leu; replaces proline 682 with leucine.
Molecular consequence: missense variant.
Genome position (GRCh38, 1-based): chr3:122,283,999, C>T. VCF-style: chr3-122283999-C-T. GRCh37 (hg19) VCF-style: chr3-122002846-C-T.
Other names: p.Pro682Leu; c.2075C>T, p.Pro692Leu (NM_001178065.2); c.2075C>T (NM_001178065.1); short protein forms P682L, P692L.
Identifiers: ClinVar variation 446989 (VCV000446989.13), dbSNP rs1553768989, ClinGen allele CA354158373.